The following is an entry in ClinVar:

ClinVar aggregate classification (germline): Benign. Review status: criteria provided, multiple submitters, no conflicts (2 of 4 stars). 4 submissions from 4 submitters: Benign (4). Last evaluated 2026-02-01.

Conditions:
Fraser syndrome 3. Identifiers: MedGen C4540040, MONDO:0054739, OMIM 617667.

Allele frequency attached by ClinVar (database versions not stated): ESP Exome Variant Server 0.01309; TOPMed 0.01381; 1000 Genomes Project 0.01597; 1000 Genomes Project 30x 0.01686.
gnomAD v4.1: 3,909 of 1,613,768 alleles (0.24%); highest among the groups gnomAD compares: African/African-American, 4.3%; 99 homozygotes.

Submissions (4):

Labcorp Genetics (formerly Invitae), Labcorp
Classification: Benign. Last evaluated: 2026-02-01. Review status: criteria provided, single submitter. Criteria: Invitae Variant Classification Sherloc (09022015). Collection method: clinical testing. Allele origin: germline.

Illumina Laboratory Services, Illumina
Classification: Benign for Fraser syndrome 3. Last evaluated: 2018-01-13. Review status: criteria provided, single submitter. Criteria: ICSL Variant Classification Criteria 13 December 2019. Collection method: clinical testing. Allele origin: germline.
Comment: This variant was observed in the ICSL laboratory as part of a predisposition screen in an ostensibly healthy population. It had not been previously curated by ICSL or reported in the Human Gene Mutation Database (HGMD: prior to June 1st, 2018), and was therefore a candidate for classification through an automated scoring system. Utilizing variant allele frequency, disease prevalence and penetrance estimates, and inheritance mode, an automated score was calculated to assess if this variant is too frequent to cause the disease. Based on the score and internal cut-off values, a variant classified as benign is not then subjected to further curation. The score for this variant resulted in a classification of benign for this disease.

Center for Pediatric Genomic Medicine, Children's Mercy Hospital and Clinics
Classification: Benign. Last evaluated: 2017-05-03. Review status: criteria provided, single submitter. Criteria: ACMG Guidelines, 2015. Collection method: clinical testing. Allele origin: germline.

Breakthrough Genomics
Classification: Benign. Review status: criteria provided, single submitter. Criteria: ACMG Guidelines, 2015. Collection method: not provided. Allele origin: germline. Inheritance: Autosomal recessive inheritance. Affected: yes.

NM_001366722.1(GRIP1):c.964G>A (p.Ala322Thr)

Gene: GRIP1 (glutamate receptor interacting protein 1; minus strand). Cytogenetic location: 12q14.3.
Variant type: single nucleotide variant.
Coding change: c.964G>A on transcript NM_001366722.1 (MANE Select); coding-DNA position 964, G replaced by A.
Protein change: p.Ala322Thr; replaces alanine 322 with threonine.
Molecular consequence: missense variant.
Genome position (GRCh38, 1-based): chr12:66,463,002, C>T on the plus strand (G>A on the coding strand, the complement: GRIP1 is on the minus strand). VCF-style: chr12-66463002-C-T. GRCh37 (hg19) VCF-style: chr12-66856782-C-T.
Other names: c.964G>A, p.Ala322Thr (NM_001178074.2, NM_021150.4); c.1042G>A, p.Ala348Thr (NM_001366723.1, NM_001366724.1); short protein forms A322T, A348T.
Identifiers: ClinVar variation 310310 (VCV000310310.16), dbSNP rs17102531, ClinGen allele CA6674485.